The following is an entry in ClinVar:

NM_000405.5(GM2A):c.428G>A (p.Gly143Glu)

Gene: GM2A (ganglioside GM2 activator; plus strand). Cytogenetic location: 5q33.1.
Variant type: single nucleotide variant.
Coding change: c.428G>A on transcript NM_000405.5 (MANE Select); coding-DNA position 428, G replaced by A.
Protein change: p.Gly143Glu; replaces glycine 143 with glutamic acid.
Molecular consequence: missense variant. On other transcripts: intron variant (1).
Genome position (GRCh38, 1-based): chr5:151,267,297, G>A. VCF-style: chr5-151267297-G-A. GRCh37 (hg19) VCF-style: chr5-150646858-G-A.
Other names: c.413-195G>A (NM_001167607.3); short protein forms G143E.
Identifiers: ClinVar variation 1975486 (VCV001975486.2), dbSNP rs757954770, ClinGen allele CA3517970.
Genomic context (GRCh38, chr5:151,267,297, plus strand): 5'-AGGAGAAAGACCCCATCAGTAGGCTCCCACTGACTGGCGGTCCACTGGCTTTCCCGCAGG[G>A]AACCTACTCACTGCCCAAGAGCGAATTCGTTGTGCCTGACCTGGAGCTGCCCAGTTGGCT-3'
Protein context (NP_000396.2, residues 133-153): GLPCHCPFKE[Gly143Glu]TYSLPKSEFV

ClinVar aggregate classification (germline): Uncertain significance (1 of 4 stars; one submission).

Conditions:
Tay-Sachs disease, variant AB. Also called: Gm2-gangliosidosis, ab variant; GM2 Activator Deficiency. Identifiers: Orphanet 309246, MedGen C0268275, MONDO:0010099, OMIM 272750.

Allele frequency attached by ClinVar (database versions not stated): gnomAD exomes below 0.00001; ExAC 0.00001; gnomAD 0.00002; TOPMed 0.00004.
gnomAD v4.1: 8 of 1,614,080 alleles (0.0005%); highest among the groups gnomAD compares: African/African-American, 0.0053%; no homozygotes.

Submission:

Labcorp Genetics (formerly Invitae), Labcorp
Classification: Uncertain significance for Tay-Sachs disease, variant AB. Last evaluated: 2022-07-19. Review status: criteria provided, single submitter. Criteria: Invitae Variant Classification Sherloc (09022015). Collection method: clinical testing. Allele origin: germline.
Comment: This sequence change replaces glycine, which is neutral and non-polar, with glutamic acid, which is acidic and polar, at codon 143 of the GM2A protein (p.Gly143Glu). This variant is present in population databases (rs757954770, gnomAD 0.007%). This variant has not been reported in the literature in individuals affected with GM2A-related conditions. Algorithms developed to predict the effect of missense changes on protein structure and function (SIFT, PolyPhen-2, Align-GVGD) all suggest that this variant is likely to be disruptive. In summary, the available evidence is currently insufficient to determine the role of this variant in disease. Therefore, it has been classified as a Variant of Uncertain Significance.